The following is an entry in ClinVar:

ClinVar aggregate classification (germline): Uncertain significance. Review status: criteria provided, multiple submitters, no conflicts (2 of 4 stars). 2 submissions from 2 submitters: Uncertain significance (2). Last evaluated 2025-07-11.

Conditions:
Wilms tumor 1 (WT1). Also called: Wilms tumor, somatic. Identifiers: Orphanet 654, MedGen CN033288, MONDO:0008679, OMIM 194070.
Drash syndrome (DDS). Also called: NEPHROPATHY, WILMS TUMOR, AND GENITAL ANOMALIES; WILMS TUMOR AND PSEUDO- OR TRUE HERMAPHRODITISM. Identifiers: Orphanet 220, MedGen C0950121, MONDO:0008682, OMIM 194080.
Frasier syndrome. Identifiers: Orphanet 347, MedGen C0950122, MeSH D052159, MONDO:0007635, OMIM 136680.
11p partial monosomy syndrome (WAGR). Also called: CHROMOSOME 11p13 DELETION SYNDROME; WAGR Spectrum Disorder; WAGR syndrome; WAGR Complex. Identifiers: Orphanet 893, MedGen C0206115, MONDO:0008681, OMIM 194072.
Inborn genetic diseases. Identifiers: MedGen C0950123, MeSH D030342.

Allele frequency attached by ClinVar (database versions not stated): TOPMed below 0.00001; gnomAD 0.00001.

Submissions (2):

Ambry Genetics
Classification: Uncertain significance for Inborn genetic diseases. Last evaluated: 2025-07-11. Review status: criteria provided, single submitter. Criteria: Ambry Variant Classification Scheme 2023. Collection method: clinical testing. Allele origin: germline.
Comment: The p.T470I variant (also known as c.1409C>T), located in coding exon 9 of the WT1 gene, results from a C to T substitution at nucleotide position 1409. The threonine at codon 470 is replaced by isoleucine, an amino acid with similar properties. This amino acid position is conserved. In addition, the in silico prediction for this alteration is inconclusive. Based on the available evidence, the clinical significance of this variant remains unclear.

Labcorp Genetics (formerly Invitae), Labcorp
Classification: Uncertain significance for Wilms tumor 1; Drash syndrome; 11p partial monosomy syndrome; Frasier syndrome. Last evaluated: 2023-11-25. Review status: criteria provided, single submitter. Criteria: Invitae Variant Classification Sherloc (09022015). Collection method: clinical testing. Allele origin: germline.
Comment: This sequence change replaces threonine, which is neutral and polar, with isoleucine, which is neutral and non-polar, at codon 470 of the WT1 protein (p.Thr470Ile). This variant is not present in population databases (gnomAD no frequency). This variant has not been reported in the literature in individuals affected with WT1-related conditions. An algorithm developed to predict the effect of missense changes on protein structure and function (PolyPhen-2) suggests that this variant is likely to be disruptive. In summary, the available evidence is currently insufficient to determine the role of this variant in disease. Therefore, it has been classified as a Variant of Uncertain Significance.

NM_024426.6(WT1):c.1424C>T (p.Thr475Ile)

Gene: WT1 (WT1 transcription factor; minus strand). Cytogenetic location: 11p13.
Variant type: single nucleotide variant.
Coding change: c.1424C>T on transcript NM_024426.6 (MANE Select); coding-DNA position 1424, C replaced by T.
Protein change: p.Thr475Ile; replaces threonine 475 with isoleucine.
Molecular consequence: missense variant. On other transcripts: non-coding transcript variant (2), intron variant (2).
Genome position (GRCh38, 1-based): chr11:32,391,995, G>A on the plus strand (C>T on the coding strand, the complement: WT1 is on the minus strand). VCF-style: chr11-32391995-G-A. GRCh37 (hg19) VCF-style: chr11-32413541-G-A.
Other names: c.1409C>T (NM_024426.4); c.1373C>T, p.Thr458Ile (NM_000378.6, NM_001407045.1); c.773C>T, p.Thr258Ile (NM_001198551.2); c.722C>T, p.Thr241Ile (NM_001198552.2); c.236C>T, p.Thr79Ile (NM_001367854.1); c.1418C>T, p.Thr473Ile (NM_001407044.1); c.1301C>T, p.Thr434Ile (NM_001407047.1); c.1283C>T, p.Thr428Ile (NM_001407048.1); and 6 more; short protein forms T434I, T453I, T241I, T258I, T417I, T473I, T221I, T428I.
Identifiers: ClinVar variation 2923723 (VCV002923723.4), dbSNP rs1851830024, ClinGen allele CA379958747.